The following is an entry in ClinVar:

NM_000536.4(RAG2):c.995C>G (p.Pro332Arg)

Gene: RAG2 (recombination activating 2; minus strand). Cytogenetic location: 11p12.
Variant type: single nucleotide variant.
Coding change: c.995C>G on transcript NM_000536.4 (MANE Select); coding-DNA position 995, C replaced by G.
Protein change: p.Pro332Arg; replaces proline 332 with arginine.
Molecular consequence: missense variant.
Genome position (GRCh38, 1-based): chr11:36,593,174, G>C on the plus strand (C>G on the coding strand, the complement: RAG2 is on the minus strand). VCF-style: chr11-36593174-G-C. GRCh37 (hg19) VCF-style: chr11-36614724-G-C.
Other names: c.995C>G, p.Pro332Arg (NM_001243785.2, NM_001243786.2); short protein forms P332R.
Identifiers: ClinVar variation 1927016 (VCV001927016.4), dbSNP rs746221994, ClinGen allele CA5950490.
Genomic context (GRCh38, chr11:36,593,174, plus strand): 5'-TCAGCACATTTCAACATATAGAAATAGAATCCTTCTGAAACAACTTGTTTATTGTCTCCT[G>C]GTATGCCAAGAAAAACAGTTCCATTTCCCATGTTGCTTCCAAACCATATCTTGCTGTGCT-3'
Protein context (NP_000527.2, residues 322-342): MGNGTVFLGI[Pro332Arg]GDNKQVVSEG

ClinVar aggregate classification (germline): Uncertain significance. Review status: criteria provided, multiple submitters, no conflicts (2 of 4 stars). 2 submissions from 2 submitters: Uncertain significance (2). Last evaluated 2026-06-28.

Conditions:
Severe combined immunodeficiency, autosomal recessive, T cell-negative, B cell-negative, NK cell-positive. Also called: Severe combined immunodeficiency due to complete RAG1/2 deficiency; SCID, T CELL-NEGATIVE, B CELL-NEGATIVE, NK CELL-POSITIVE; SCID, AR, T-cell negative, B-cell negative, NK cell-positive. Identifiers: Orphanet 331206, MedGen C1832322, MONDO:0011086, OMIM 601457.
Combined immunodeficiency with skin granulomas. Identifiers: Orphanet 157949, MedGen C2673536, MONDO:0009306, OMIM 233650.
Recombinase activating gene 2 deficiency. Also called: RAG2 deficiency. Identifiers: MedGen CN257931, MONDO:0000573.

Allele frequency attached by ClinVar (database versions not stated): gnomAD 0.00001; gnomAD exomes 0.00001; ExAC 0.00002.
gnomAD v4.1: 16 of 1,613,904 alleles (0.00099%); highest among the groups gnomAD compares: South Asian, 0.014%; no homozygotes.

Submissions (2):

Myriad Genetics, Inc.
Classification: Uncertain significance for Recombinase activating gene 2 deficiency. Last evaluated: 2026-06-28. Review status: criteria provided, single submitter. Criteria: Myriad Autosomal Dominant, Autosomal Recessive and X-Linked Classification Criteria (2023). Collection method: clinical testing. Allele origin: unknown.
Comment: NM_001243785.1(RAG2):c.995C>G(P332R) is a missense variant classified as a variant of uncertain significance in the context of severe combined immunodeficiency, RAG2-related. P332R has not been observed in cases with relevant disease. Relevant functional assessments of this variant are not available in the literature. P332R has been observed in referenced population frequency databases. In summary, there is insufficient evidence to classify NM_001243785.1(RAG2):c.995C>G(P332R) as pathogenic or benign. Please note: this variant was assessed in the context of healthy population screening.

Labcorp Genetics (formerly Invitae), Labcorp
Classification: Uncertain significance for Combined immunodeficiency with skin granulomas; Severe combined immunodeficiency, autosomal recessive, T cell-negative, B cell-negative, NK cell-positive. Last evaluated: 2025-08-15. Review status: criteria provided, single submitter. Criteria: Invitae Variant Classification Sherloc (09022015). Collection method: clinical testing. Allele origin: germline.
Comment: This sequence change replaces proline, which is neutral and non-polar, with arginine, which is basic and polar, at codon 332 of the RAG2 protein (p.Pro332Arg). This variant is present in population databases (rs746221994, gnomAD 0.01%). This variant has not been reported in the literature in individuals affected with RAG2-related conditions. ClinVar contains an entry for this variant (Variation ID: 1927016). Invitae Evidence Modeling of protein sequence and biophysical properties (such as structural, functional, and spatial information, amino acid conservation, physicochemical variation, residue mobility, and thermodynamic stability) indicates that this missense variant is expected to disrupt RAG2 protein function with a positive predictive value of 95%. In summary, the available evidence is currently insufficient to determine the role of this variant in disease. Therefore, it has been classified as a Variant of Uncertain Significance.